The following is an entry in ClinVar:

ClinVar aggregate classification (germline): Pathogenic. Review status: criteria provided, multiple submitters, no conflicts (2 of 4 stars). 2 submissions from 2 submitters: Pathogenic (2). Last evaluated 2024-01-20.

Conditions:
SCNN1A-related disorder. Also called: SCNN1A-related condition; SCNN1A-related disorders.

Allele frequency attached by ClinVar (database versions not stated): ExAC 0.00001; gnomAD exomes 0.00001; TOPMed 0.00001.

Submissions (2):

Labcorp Genetics (formerly Invitae), Labcorp
Classification: Pathogenic. Last evaluated: 2024-01-20. Review status: criteria provided, single submitter. Criteria: Invitae Variant Classification Sherloc (09022015). Collection method: clinical testing. Allele origin: germline.
Comment: This sequence change creates a premature translational stop signal (p.Tyr436Ilefs*46) in the SCNN1A gene. It is expected to result in an absent or disrupted protein product. Loss-of-function variants in SCNN1A are known to be pathogenic (PMID: 10403853, 23416952). This variant is present in population databases (rs758014063, gnomAD 0.006%). This variant has not been reported in the literature in individuals affected with SCNN1A-related conditions. For these reasons, this variant has been classified as Pathogenic.

Blueprint Genetics
Classification: Pathogenic for SCNN1A-related disorders. Last evaluated: 2021-02-17. Review status: criteria provided, single submitter. Criteria: ACMG Guidelines, 2015. Collection method: clinical testing. Allele origin: germline. Affected: yes. Observed: 1 variant allele.

Literature cited by the submitters: PubMed 10403853 (cited by Labcorp Genetics (formerly Invitae), Labcorp); PubMed 23416952 (cited by Labcorp Genetics (formerly Invitae), Labcorp).

NM_001038.6(SCNN1A):c.1305del (p.Tyr436fs)

Gene: SCNN1A (sodium channel epithelial 1 subunit alpha; minus strand). Cytogenetic location: 12p13.31.
Variant type: Deletion.
Coding change: c.1305del on transcript NM_001038.6 (MANE Select); coding-DNA position 1305, one base deleted (C; older notation c.1305delC).
Protein change: p.Tyr436fs; shifts the reading frame from tyrosine 436.
Molecular consequence: frameshift variant.
Genome position (GRCh38, 1-based): chr12:6,354,493, G deleted on the plus strand (C on the coding strand, the reverse complement: SCNN1A is on the minus strand). VCF-style (leftmost placement, unchanged base first): chr12-6354492-AG-A. GRCh37 (hg19) VCF-style: chr12-6463658-AG-A.
Other names: c.1374del, p.Tyr459fs (NM_001159575.2); c.1482del, p.Tyr495fs (NM_001159576.2); short protein forms Y495fs, Y436fs, Y459fs.
Identifiers: ClinVar variation 2735799 (VCV002735799.4), dbSNP rs758014063, ClinGen allele CA6405918.